The following is an entry in ClinVar:

ClinVar aggregate classification (germline): Uncertain significance (1 of 4 stars; one submission).

Conditions:
Perlman syndrome (PRLMNS). Identifiers: Orphanet 2849, MedGen C0796113, MONDO:0009965, OMIM 267000.

Allele frequency attached by ClinVar (database versions not stated): gnomAD exomes below 0.00001.
gnomAD v4.1: 1 of 1,610,434 alleles (0.000062%); highest among the groups gnomAD compares: Non-Finnish European, 0.000085%; no homozygotes.

Submission:

Labcorp Genetics (formerly Invitae), Labcorp
Classification: Uncertain significance for Perlman syndrome. Last evaluated: 2017-05-17. Review status: criteria provided, single submitter. Criteria: Invitae Variant Classification Sherloc (09022015). Collection method: clinical testing. Allele origin: germline.
Comment: In summary, this variant is a novel missense change with uncertain impact on protein function. It has been classified as a Variant of Uncertain Significance. Algorithms developed to predict the effect of missense changes on protein structure and function do not agree on the potential impact of this missense change (SIFT: "Deleterious"; PolyPhen-2: "Benign"; Align-GVGD: "Class C0"). This variant is not present in population databases (ExAC no frequency) and has not been reported in the literature in individuals with a DIS3L2-related disease. This sequence change replaces proline with serine at codon 126 of the DIS3L2 protein (p.Pro126Ser). The proline residue is weakly conserved and there is a moderate physicochemical difference between proline and serine.

NM_152383.5(DIS3L2):c.376C>T (p.Pro126Ser)

Gene: DIS3L2 (DIS3 like 3'-5' exoribonuclease 2; plus strand). Cytogenetic location: 2q37.1.
Variant type: single nucleotide variant.
Coding change: c.376C>T on transcript NM_152383.5 (MANE Select); coding-DNA position 376, C replaced by T.
Protein change: p.Pro126Ser; replaces proline 126 with serine.
Molecular consequence: missense variant. On other transcripts: non-coding transcript variant (2).
Genome position (GRCh38, 1-based): chr2:232,087,496, C>T. VCF-style: chr2-232087496-C-T. GRCh37 (hg19) VCF-style: chr2-232952206-C-T.
Other names: c.376C>T, p.Pro126Ser (NM_001257281.2, NM_001257282.2); short protein forms P126S.
Identifiers: ClinVar variation 463116 (VCV000463116.8), dbSNP rs1553606103, ClinGen allele CA351154833.